The following is an entry in ClinVar:

NM_000181.4(GUSB):c.1929A>G (p.Gln643=)

Gene: GUSB (glucuronidase beta; minus strand). Cytogenetic location: 7q11.21.
Variant type: single nucleotide variant.
Coding change: c.1929A>G on transcript NM_000181.4 (MANE Select); coding-DNA position 1929, A replaced by G.
Protein change: p.Gln643=; no amino-acid change (glutamine 643 retained).
Molecular consequence: synonymous variant. On other transcripts: non-coding transcript variant (1).
Genome position (GRCh38, 1-based): chr7:65,960,924, T>C on the plus strand (A>G on the coding strand, the complement: GUSB is on the minus strand). VCF-style: chr7-65960924-T-C. GRCh37 (hg19) VCF-style: chr7-65425911-T-C.
Other names: c.1929A>G (NM_000181.3); c.1491A>G, p.Gln497= (NM_001284290.2); c.1359A>G, p.Gln453= (NM_001293104.2); c.1272A>G, p.Gln424= (NM_001293105.2).
Identifiers: ClinVar variation 1077388 (VCV001077388.11), dbSNP rs764493374, ClinGen allele CA4276138.

ClinVar aggregate classification (germline): Likely benign. Review status: criteria provided, single submitter (1 of 4 stars). 2 submissions from 2 submitters: Likely benign (1). 1 of the submissions does not count toward it. Last evaluated 2025-09-02.

Conditions:
GUSB-related disorder. Also called: GUSB-related condition.
Mucopolysaccharidosis type 7 (MPS7). Also called: SLY SYNDROME; BETA-GLUCURONIDASE DEFICIENCY; GUSB DEFICIENCY; MPS VII. Identifiers: Orphanet 584, MedGen C0085132, MONDO:0009662, OMIM 253220.

Allele frequency attached by ClinVar (database versions not stated): gnomAD 0.00001; ExAC 0.00002; gnomAD exomes 0.00002 and 0.00003; TOPMed 0.00002.
gnomAD v4.1: 30 of 1,613,936 alleles (0.0019%); highest among the groups gnomAD compares: East Asian, 0.022%; no homozygotes.

Submissions (2):

Labcorp Genetics (formerly Invitae), Labcorp
Classification: Likely benign for Mucopolysaccharidosis type 7. Last evaluated: 2025-09-02. Review status: criteria provided, single submitter. Criteria: Invitae Variant Classification Sherloc (09022015). Collection method: clinical testing. Allele origin: germline.

PreventionGenetics, part of Exact Sciences
Classification: Likely benign for GUSB-related condition. Last evaluated: 2020-08-11. Review status: no assertion criteria provided. Collection method: clinical testing. Allele origin: germline. Not counted in ClinVar's aggregate classification.
Comment: This variant is classified as likely benign based on ACMG/AMP sequence variant interpretation guidelines (Richards et al. 2015 PMID: 25741868, with internal and published modifications).